The following is an entry in ClinVar:

NM_001166108.2(PALLD):c.508G>A (p.Asp170Asn)

Gene: PALLD (palladin, cytoskeletal associated protein; plus strand). Cytogenetic location: 4q32.3.
Variant type: single nucleotide variant.
Coding change: c.508G>A on transcript NM_001166108.2 (MANE Select); coding-DNA position 508, G replaced by A.
Protein change: p.Asp170Asn; replaces aspartic acid 170 with asparagine.
Molecular consequence: missense variant.
Genome position (GRCh38, 1-based): chr4:168,512,012, G>A. VCF-style: chr4-168512012-G-A. GRCh37 (hg19) VCF-style: chr4-169433163-G-A.
Other names: c.508G>A, p.Asp170Asn (NM_016081.4); short protein forms D170N.
Identifiers: ClinVar variation 2448497 (VCV002448497.2), dbSNP rs2531433418, ClinGen allele CA358726176.
Genomic context (GRCh38, chr4:168,512,012, plus strand): 5'-ACAAACGTAAAGCCCAAAACGCCACATCAAAGAAAGGGTGGCCCCCAGAGCCAGCTGTGT[G>A]ACAAGGCAGCTAATTTAATTGAGGAGCTAACATCCATATTTAAAGCCGCAAAGCCAAGAA-3'
Protein context (NP_001159580.1, residues 160-180): RKGGPQSQLC[Asp170Asn]KAANLIEELT

ClinVar aggregate classification (germline): Uncertain significance (1 of 4 stars; one submission).

Allele frequency attached by ClinVar (database versions not stated): gnomAD exomes below 0.00001.
gnomAD v4.1: 2 of 1,614,210 alleles (0.00012%); highest among the groups gnomAD compares: Non-Finnish European, 0.00017%; no homozygotes.

Submission:

Ambry Genetics
Classification: Uncertain significance. Last evaluated: 2023-02-20. Review status: criteria provided, single submitter. Criteria: Ambry Variant Classification Scheme 2023. Collection method: clinical testing. Allele origin: germline.
Comment: The p.D170N variant (also known as c.508G>A), located in coding exon 1 of the PALLD gene, results from a G to A substitution at nucleotide position 508. The aspartic acid at codon 170 is replaced by asparagine, an amino acid with highly similar properties. This amino acid position is conserved. In addition, this alteration is predicted to be tolerated by in silico analysis. Since supporting evidence is limited at this time, the clinical significance of this alteration remains unclear.